The following is an entry in ClinVar:

NM_014727.3(KMT2B):c.893G>T (p.Gly298Val)

Gene: KMT2B (lysine methyltransferase 2B; plus strand). Cytogenetic location: 19q13.12.
Variant type: single nucleotide variant.
Coding change: c.893G>T on transcript NM_014727.3 (MANE Select); coding-DNA position 893, G replaced by T.
Protein change: p.Gly298Val; replaces glycine 298 with valine.
Molecular consequence: missense variant.
Genome position (GRCh38, 1-based): chr19:35,720,240, G>T. VCF-style: chr19-35720240-G-T. GRCh37 (hg19) VCF-style: chr19-36211142-G-T.
Other names: short protein forms G298V.
Identifiers: ClinVar variation 4976041 (VCV004976041.1).

ClinVar aggregate classification (germline): Uncertain significance (1 of 4 stars; one submission).

Submission:

GeneDx
Classification: Uncertain significance. Last evaluated: 2026-03-19. Review status: criteria provided, single submitter. Criteria: GeneDx Variant Classification Process June 2021. Collection method: clinical testing. Allele origin: germline.
Comment: Not observed at significant frequency in large population cohorts (gnomAD); In silico analysis suggests that this missense variant does not alter protein structure/function; Has not been previously published as pathogenic or benign to our knowledge